The following is an entry in ClinVar:

ClinVar aggregate classification (germline): Uncertain significance (1 of 4 stars; one submission).

Conditions:
Koolen-de Vries syndrome (KDVS). Identifiers: Orphanet 96169, MedGen C1864871, MONDO:0012496, OMIM 610443.

gnomAD v4.1: 2 of 1,606,538 alleles (0.00012%); highest among the groups gnomAD compares: Non-Finnish European, 0.000085%; no homozygotes.

Submission:

Labcorp Genetics (formerly Invitae), Labcorp
Classification: Uncertain significance for Koolen-de Vries syndrome. Last evaluated: 2025-05-04. Review status: criteria provided, single submitter. Criteria: Invitae Variant Classification Sherloc (09022015). Collection method: clinical testing. Allele origin: germline.
Comment: This sequence change replaces leucine, which is neutral and non-polar, with phenylalanine, which is neutral and non-polar, at codon 980 of the KANSL1 protein (p.Leu980Phe). This variant is not present in population databases (gnomAD no frequency). This variant has not been reported in the literature in individuals affected with KANSL1-related conditions. ClinVar contains an entry for this variant (Variation ID: 1715217). Invitae Evidence Modeling of protein sequence and biophysical properties (such as structural, functional, and spatial information, amino acid conservation, physicochemical variation, residue mobility, and thermodynamic stability) indicates that this missense variant is not expected to disrupt KANSL1 protein function with a negative predictive value of 80%. In summary, the available evidence is currently insufficient to determine the role of this variant in disease. Therefore, it has been classified as a Variant of Uncertain Significance.

NM_015443.4(KANSL1):c.2940G>C (p.Leu980Phe)

Gene: KANSL1 (KAT8 regulatory NSL complex subunit 1). Cytogenetic location: 17q21.31.
Variant type: single nucleotide variant.
Coding change: c.2940G>C on transcript NM_015443.4 (MANE Select); coding-DNA position 2940, G replaced by C.
Protein change: p.Leu980Phe; replaces leucine 980 with phenylalanine.
Molecular consequence: missense variant.
Genome position (GRCh38, 1-based): chr17:46,032,197, C>G on the plus strand (G>C on the coding strand, the complement: KANSL1 is on the minus strand). VCF-style: chr17-46032197-C-G. GRCh37 (hg19) VCF-style: chr17-44109563-C-G.
Other names: c.2940G>C, p.Leu980Phe (NM_001405854.1, NM_001193466.2, NM_001379198.1 and 1 more transcripts); c.2937G>C, p.Leu979Phe (NM_001193465.2, NM_001405856.1, NM_001405857.1 and 1 more transcripts); c.2838G>C, p.Leu946Phe (NM_001405859.1, NM_001405860.1); c.2835G>C, p.Leu945Phe (NM_001405861.1); c.2751G>C, p.Leu917Phe (NM_001405875.1, NM_001405876.1, NM_001405877.1 and 1 more transcripts); c.2748G>C, p.Leu916Phe (NM_001405879.1, NM_001405880.1); c.1674G>C, p.Leu558Phe (NM_001405882.1); c.1671G>C, p.Leu557Phe (NM_001405883.1); and 2 more; short protein forms L494F, L495F, L557F, L558F, L916F, L917F, L945F, L946F.
Identifiers: ClinVar variation 1715217 (VCV001715217.5), dbSNP rs2077029420, ClinGen allele CA399987037.